The following is an entry in ClinVar:

ClinVar aggregate classification (germline): Pathogenic. Review status: criteria provided, multiple submitters, no conflicts (2 of 4 stars). 3 submissions from 3 submitters: Pathogenic (2). 1 of the submissions does not count toward it. Last evaluated 2025-10-07.
ClinVar aggregate classification (oncogenicity): Likely oncogenic (1 of 4 stars; one submission).

Conditions:
Hereditary cancer-predisposing syndrome. Also called: Tumor predisposition; Hereditary neoplastic syndrome; Neoplastic Syndromes, Hereditary; Hereditary Cancer Syndrome. Identifiers: Orphanet 140162, MedGen C0027672, MeSH D009386, MONDO:0015356.
Familial adenomatous polyposis 1 (FAP1). Also called: FAMILIAL ADENOMATOUS POLYPOSIS 1, ATTENUATED; POLYPOSIS, ADENOMATOUS INTESTINAL. Identifiers: MedGen C2713442, MONDO:0021056, OMIM 175100. Disease mechanism: loss of function.
Neoplasm. Also called: Neoplasms; Neoplasm (disease); tumor. Identifiers: MedGen C0027651, MeSH D009369, MONDO:0005070, HP:0002664.

Submissions (4):

Labcorp Genetics (formerly Invitae), Labcorp
Classification: Pathogenic for Familial adenomatous polyposis 1. Last evaluated: 2025-10-07. Review status: criteria provided, single submitter. Criteria: Invitae Variant Classification Sherloc (09022015). Collection method: clinical testing. Allele origin: germline.
Comment: This sequence change creates a premature translational stop signal (p.Glu1985Leufs*58) in the APC gene. While this is not anticipated to result in nonsense mediated decay, it is expected to disrupt the last 859 amino acid(s) of the APC protein. This variant is not present in population databases (gnomAD no frequency). This premature translational stop signal has been observed in individual(s) with clinical features of APC-related conditions (PMID: 20223039). ClinVar contains an entry for this variant (Variation ID: 371809). This variant is expected to disrupt the EB1 and HDLG binding sites, which mediate interactions with the cytoskeleton (PMID: 15311282, 17293347). While functional studies have not been performed to directly test the effect on APC protein function, this suggests that disruption of the C-terminal portion of the protein is functionally important. A different truncation (p.Tyr2645Lysfs*14) that lies downstream of this variant has been determined to be pathogenic (PMID: 9824584, 1316610, 27081525, 8381579, 22135120, internal data). This suggests that deletion of this region of the APC protein is causative of disease. For these reasons, this variant has been classified as Pathogenic.

Center for Genomic Medicine, Rigshospitalet, Copenhagen University Hospital
Classification: Likely oncogenic for Neoplasm. Last evaluated: 2025-03-04. Review status: criteria provided, single submitter. Criteria: ClinGen/CGC/VICC Guidelines for Oncogenicity, 2022. Collection method: clinical testing. Allele origin: somatic. Affected: yes.

Ambry Genetics
Classification: Pathogenic for Hereditary cancer-predisposing syndrome. Last evaluated: 2024-07-12. Review status: criteria provided, single submitter. Criteria: Ambry Variant Classification Scheme 2023. Collection method: clinical testing. Allele origin: germline.
Comment: The c.5952_5955delTGAA pathogenic mutation, located in coding exon 15 of the APC gene, results from a deletion of 4 nucleotides between positions 5952 and 5955, causing a translational frameshift with a predicted alternate stop codon (p.E1985Lfs*58). This alteration occurs at the 3' terminus of APC gene, is not expected to trigger nonsense-mediated mRNA decay, and impacts the last 30% of the protein. However, premature stop codons are typically deleterious in nature and the impacted region is critical for protein function (Ambry internal data). Based on the supporting evidence, this alteration is interpreted as a disease-causing mutation.

Counsyl
Classification: Likely pathogenic for Familial adenomatous polyposis 1. Last evaluated: 2015-12-30. Review status: no assertion criteria provided. Collection method: clinical testing. Allele origin: unknown. Not counted in ClinVar's aggregate classification.

Literature cited by the submitters: PubMed 20223039 (cited by 3 submitters); PubMed 15311282 (cited by Labcorp Genetics (formerly Invitae), Labcorp); PubMed 17293347 (cited by Labcorp Genetics (formerly Invitae), Labcorp); PubMed 9824584 (cited by Labcorp Genetics (formerly Invitae), Labcorp); PubMed 1316610 (cited by Labcorp Genetics (formerly Invitae), Labcorp); PubMed 27081525 (cited by Labcorp Genetics (formerly Invitae), Labcorp); PubMed 8381579 (cited by Labcorp Genetics (formerly Invitae), Labcorp); PubMed 22135120 (cited by Labcorp Genetics (formerly Invitae), Labcorp); PubMed 29318445 (cited by Center for Genomic Medicine, Rigshospitalet, Copenhagen University Hospital).

NM_000038.6(APC):c.5952_5955del (p.Glu1985fs)

Gene: APC (APC regulator of Wnt signaling pathway; plus strand). Cytogenetic location: 5q22.2.
Variant type: Deletion.
Coding change: c.5952_5955del on transcript NM_000038.6 (MANE Select); coding-DNA positions 5952 to 5955, 4 bases deleted (TGAA; older notation c.5952_5955delTGAA).
Protein change: p.Glu1985fs; shifts the reading frame from glutamic acid 1985.
Molecular consequence: frameshift variant.
Genome position (GRCh38, 1-based): chr5:112,841,546-112,841,549, TGAA deleted; deleting any 4 consecutive bases within chr5:112,841,544-112,841,549 gives the same sequence; the c. name uses the placement nearest the transcript's 3' end. VCF-style (leftmost placement, unchanged base first): chr5-112841543-AAATG-A. GRCh37 (hg19) VCF-style: chr5-112177240-AAATG-A.
Other names: c.5952_5955del, p.Glu1985fs (NM_001127510.3, NM_001354895.2); c.5898_5901del, p.Glu1967fs (NM_001127511.3); c.6006_6009del, p.Glu2003fs (NM_001354896.2); c.5982_5985del, p.Glu1995fs (NM_001354897.2); c.5877_5880del, p.Glu1960fs (NM_001354898.2); c.5868_5871del, p.Glu1957fs (NM_001354899.2); c.5829_5832del, p.Glu1944fs (NM_001354900.2); c.5775_5778del, p.Glu1926fs (NM_001354901.2); and 6 more; short protein forms E1702fs, E1825fs, E1859fs, E1926fs, E1957fs, E1967fs, E1995fs, E1894fs.
Identifiers: ClinVar variation 371809 (VCV000371809.17), dbSNP rs1057517544, ClinGen allele CA16042097.
Genomic context (GRCh38, chr5:112,841,543, plus strand): 5'-TTCTCATAATTCCTCTCTGAGTTCTCTCAGTGACATTGACCAAGAAAACAACAATAAAGA[AAATG>A]AACCTATCAAAGAGACTGAGCCCCCTGACTCACAGGGAGAACCAAGTAAACCTCAAGCAT-3'